The following is an entry in ClinVar:

NM_001042492.3(NF1):c.6395C>T (p.Ser2132Phe)

Gene: NF1 (neurofibromin 1; plus strand). Cytogenetic location: 17q11.2.
Variant type: single nucleotide variant.
Coding change: c.6395C>T on transcript NM_001042492.3 (MANE Select); coding-DNA position 6395, C replaced by T.
Protein change: p.Ser2132Phe; replaces serine 2132 with phenylalanine.
Molecular consequence: missense variant.
Genome position (GRCh38, 1-based): chr17:31,336,882, C>T. VCF-style: chr17-31336882-C-T. GRCh37 (hg19) VCF-style: chr17-29663900-C-T.
Other names: c.6332C>T, p.Ser2111Phe (NM_000267.4); short protein forms S2111F, S2132F.
Identifiers: ClinVar variation 4800789 (VCV004800789.1).

ClinVar aggregate classification (germline): Uncertain significance (1 of 4 stars; one submission).

Conditions:
Neurofibromatosis, type 1 (NF1). Also called: VON RECKLINGHAUSEN DISEASE; Neurofibromatosis, type I; NEUROFIBROMATOSIS, TYPE I, SOMATIC; Peripheral type neurofibromatosis. Identifiers: Orphanet 636, MedGen C0027831, MONDO:0018975, OMIM 162200. Disease mechanism: loss of function.

Submission:

Labcorp Genetics (formerly Invitae), Labcorp
Classification: Uncertain significance for Neurofibromatosis, type 1. Last evaluated: 2025-10-29. Review status: criteria provided, single submitter. Criteria: Invitae Variant Classification Sherloc (09022015). Collection method: clinical testing. Allele origin: germline.
Comment: This sequence change replaces serine, which is neutral and polar, with phenylalanine, which is neutral and non-polar, at codon 2111 of the NF1 protein (p.Ser2111Phe). This variant is not present in population databases (gnomAD no frequency). This variant has not been reported in the literature in individuals affected with NF1-related conditions. Invitae Evidence Modeling of protein sequence and biophysical properties (such as structural, functional, and spatial information, amino acid conservation, physicochemical variation, residue mobility, and thermodynamic stability) indicates that this missense variant is expected to disrupt NF1 protein function with a positive predictive value of 95%. In summary, the available evidence is currently insufficient to determine the role of this variant in disease. Therefore, it has been classified as a Variant of Uncertain Significance.